The following is an entry in ClinVar:

NM_006267.5(RANBP2):c.3162G>T (p.Gln1054His)

Gene: RANBP2 (RAN binding protein 2; plus strand). Cytogenetic location: 2q13.
Variant type: single nucleotide variant.
Coding change: c.3162G>T on transcript NM_006267.5 (MANE Select); coding-DNA position 3162, G replaced by T.
Protein change: p.Gln1054His; replaces glutamine 1054 with histidine.
Molecular consequence: missense variant.
Genome position (GRCh38, 1-based): chr2:108,763,701, G>T. VCF-style: chr2-108763701-G-T. GRCh37 (hg19) VCF-style: chr2-109380157-G-T.
Other names: NC_000002.11:g.109380157G>T; short protein forms Q1054H.
Identifiers: ClinVar variation 779303 (VCV000779303.32), dbSNP rs141230513, ClinGen allele CA1822887.
Genomic context (GRCh38, chr2:108,763,701, plus strand): 5'-CTCAAATTTCAAATCAAATGATGGTGACTTCACGTTTTCCTCACCACAGGTTGTGACACA[G>T]CCCCCTCCTGCAGCTTACAGTAACAGTGAAAGCCTTTTAGGTCTCCTGACTTCAGATAAA-3'
Protein context (NP_006258.3, residues 1044-1064): FTFSSPQVVT[Gln1054His]PPPAAYSNSE

ClinVar aggregate classification (germline): Benign/Likely benign. Review status: criteria provided, multiple submitters, no conflicts (2 of 4 stars). 5 submissions from 5 submitters: Benign (2); Likely benign (1). 2 of the submissions do not count toward it. Last evaluated 2025-08-01.

Conditions:
Familial acute necrotizing encephalopathy (IIAE3). Also called: Susceptibility to Acute Necrotizing Encephalopathy 1; ENCEPHALOPATHY, ACUTE, INFECTION-INDUCED, SUSCEPTIBILITY TO, 3. Identifiers: Orphanet 88619, MedGen C2675556, MONDO:0011953, OMIM 608033.

Allele frequency attached by ClinVar (database versions not stated): 1000 Genomes Project 0.00180; 1000 Genomes Project 30x 0.00219; gnomAD 0.00290 and 0.00292; ESP Exome Variant Server 0.00323; gnomAD exomes 0.00327 and 0.00416; ExAC 0.00337; TOPMed 0.00347.
gnomAD v4.1: 6,455 of 1,614,044 alleles (0.4%); highest among the groups gnomAD compares: Admixed American, 0.49%; 23 homozygotes.

Submissions (12):

CeGaT Center for Human Genetics Tuebingen
Classification: Likely benign. Last evaluated: 2025-08-01. Review status: criteria provided, single submitter. Criteria: CeGaT Center For Human Genetics Tuebingen Variant Classification Criteria Version 2. Collection method: clinical testing. Allele origin: germline. Affected: yes. Observed: 4 variant alleles.
Comment: RANBP2: BP4, BS2

Labcorp Genetics (formerly Invitae), Labcorp
Classification: Benign for Encephalopathy, acute, infection-induced, 3, suceptibility to. Last evaluated: 2019-12-31. Review status: criteria provided, single submitter. Criteria: Invitae Variant Classification Sherloc (09022015). Collection method: clinical testing. Allele origin: germline.

Breakthrough Genomics
Classification: Benign. Review status: criteria provided, single submitter. Criteria: ACMG Guidelines, 2015. Collection method: not provided. Allele origin: germline. Inheritance: Autosomal dominant inheritance. Affected: yes.

Clinical Genetics DNA and cytogenetics Diagnostics Lab, Erasmus MC, Erasmus Medical Center
Classification: Likely benign. Review status: no assertion criteria provided. Collection method: clinical testing. Allele origin: germline. Affected: yes. Study: VKGL Data-share Consensus. Not counted in ClinVar's aggregate classification.

Dr. Peter K. Rogan Lab, Western University
No classification provided (evidence only). Condition: Clear cell carcinoma of kidney. Review status: no classification provided. Collection method: in vitro. Allele origin: not applicable. Functional consequence: retained intron. Not counted in ClinVar's aggregate classification.

Dr. Peter K. Rogan Lab, Western University
No classification provided (evidence only). Condition: Melanoma. Review status: no classification provided. Collection method: in vitro. Allele origin: not applicable. Functional consequence: retained intron. Not counted in ClinVar's aggregate classification.

Dr. Peter K. Rogan Lab, Western University
No classification provided (evidence only). Condition: Familial cancer of breast. Review status: no classification provided. Collection method: in vitro. Allele origin: not applicable. Functional consequence: retained intron. Not counted in ClinVar's aggregate classification.

Dr. Peter K. Rogan Lab, Western University
No classification provided (evidence only). Condition: Thyroid cancer, nonmedullary, 1. Review status: no classification provided. Collection method: in vitro. Allele origin: not applicable. Functional consequence: retained intron. Not counted in ClinVar's aggregate classification.

Dr. Peter K. Rogan Lab, Western University
No classification provided (evidence only). Condition: Thyroid cancer, nonmedullary, 1. Review status: no classification provided. Collection method: in vitro. Allele origin: not applicable. Functional consequence: retained intron. Not counted in ClinVar's aggregate classification.

Dr. Peter K. Rogan Lab, Western University
No classification provided (evidence only). Condition: Ovarian serous cystadenocarcinoma. Review status: no classification provided. Collection method: in vitro. Allele origin: not applicable. Functional consequence: retained intron. Not counted in ClinVar's aggregate classification.

Dr. Peter K. Rogan Lab, Western University
No classification provided (evidence only). Condition: Gastric cancer. Review status: no classification provided. Collection method: in vitro. Allele origin: not applicable. Functional consequence: retained intron. Not counted in ClinVar's aggregate classification.

Genome Diagnostics Laboratory, University Medical Center Utrecht
Classification: Likely benign. Review status: no assertion criteria provided. Collection method: clinical testing. Allele origin: germline. Affected: yes. Study: VKGL Data-share Consensus. Not counted in ClinVar's aggregate classification.